The following is an entry in ClinVar:

NM_053025.4(MYLK):c.272T>C (p.Leu91Pro)

Gene: MYLK (myosin light chain kinase; minus strand). Cytogenetic location: 3q21.1.
Variant type: single nucleotide variant.
Coding change: c.272T>C on transcript NM_053025.4 (MANE Select); coding-DNA position 272, T replaced by C.
Protein change: p.Leu91Pro; replaces leucine 91 with proline.
Molecular consequence: missense variant. On other transcripts: intron variant (1).
Genome position (GRCh38, 1-based): chr3:123,752,432, A>G on the plus strand (T>C on the coding strand, the complement: MYLK is on the minus strand). VCF-style: chr3-123752432-A-G. GRCh37 (hg19) VCF-style: chr3-123471279-A-G.
Other names: c.272T>C, p.Leu91Pro (NM_053026.4, NM_053027.4, NM_053028.4); c.-155-12431T>C (NM_001321309.2); short protein forms L91P.
Identifiers: ClinVar variation 1795285 (VCV001795285.2), dbSNP rs2474742548, ClinGen allele CA354244536.

ClinVar aggregate classification (germline): Uncertain significance (1 of 4 stars; one submission).

Conditions:
Familial thoracic aortic aneurysm and aortic dissection (TAAD). Also called: Thoracic aortic aneurysms and dissections. Identifiers: Orphanet 91387, MedGen C4707243, MONDO:0019625.

Submission:

Ambry Genetics
Classification: Uncertain significance for Familial thoracic aortic aneurysm and aortic dissection. Last evaluated: 2021-06-23. Review status: criteria provided, single submitter. Criteria: Ambry Variant Classification Scheme 2023. Collection method: clinical testing. Allele origin: germline.
Comment: The p.L91P variant (also known as c.272T>C), located in coding exon 2 of the MYLK gene, results from a T to C substitution at nucleotide position 272. The leucine at codon 91 is replaced by proline, an amino acid with similar properties. This amino acid position is conserved. In addition, this alteration is predicted to be deleterious by in silico analysis. Since supporting evidence is limited at this time, the clinical significance of this alteration remains unclear.